The following is an entry in ClinVar:

NM_032447.5(FBN3):c.4392C>T (p.Pro1464=)

Gene: FBN3 (fibrillin 3; minus strand). Cytogenetic location: 19p13.2.
Variant type: single nucleotide variant.
Coding change: c.4392C>T on transcript NM_032447.5 (MANE Select); coding-DNA position 4392, C replaced by T.
Protein change: p.Pro1464=; no amino-acid change (proline 1464 retained).
Molecular consequence: synonymous variant.
Genome position (GRCh38, 1-based): chr19:8,109,695, G>A on the plus strand (C>T on the coding strand, the complement: FBN3 is on the minus strand). VCF-style: chr19-8109695-G-A. GRCh37 (hg19) VCF-style: chr19-8174579-G-A.
Other names: c.4392C>T, p.Pro1464= (NM_001321431.2); c.4392C>T (NM_001321431.1).
Identifiers: ClinVar variation 3014947 (VCV003014947.5), dbSNP rs141209472, ClinGen allele CA9152068.

ClinVar aggregate classification (germline): Likely benign. Review status: criteria provided, single submitter (1 of 4 stars). 2 submissions from 2 submitters: Likely benign (1). 1 of the submissions does not count toward it. Last evaluated 2022-11-26.

Conditions:
FBN3-related disorder. Also called: FBN3-related condition.

Allele frequency attached by ClinVar (database versions not stated): TOPMed 0.00001; gnomAD 0.00003; ESP Exome Variant Server 0.00008; ExAC 0.00010.
gnomAD v4.1: 54 of 1,561,274 alleles (0.0035%); highest among the groups gnomAD compares: South Asian, 0.044%; no homozygotes.

Submissions (2):

Labcorp Genetics (formerly Invitae), Labcorp
Classification: Likely benign. Last evaluated: 2022-11-26. Review status: criteria provided, single submitter. Criteria: Invitae Variant Classification Sherloc (09022015). Collection method: clinical testing. Allele origin: germline.

PreventionGenetics, part of Exact Sciences
Classification: Likely benign for FBN3-related condition. Last evaluated: 2019-04-04. Review status: no assertion criteria provided. Collection method: clinical testing. Allele origin: germline. Not counted in ClinVar's aggregate classification.
Comment: This variant is classified as likely benign based on ACMG/AMP sequence variant interpretation guidelines (Richards et al. 2015 PMID: 25741868, with internal and published modifications).